The following is an entry in ClinVar:

ClinVar aggregate classification (germline): Uncertain significance. Review status: criteria provided, multiple submitters, no conflicts (2 of 4 stars). 2 submissions from 2 submitters: Uncertain significance (2). Last evaluated 2025-01-04.

Allele frequency attached by ClinVar (database versions not stated): 1000 Genomes Project 30x 0.00016; TOPMed 0.00019; 1000 Genomes Project 0.00020; gnomAD 0.00020; ExAC 0.00021; ESP Exome Variant Server 0.00024; gnomAD exomes 0.00033.
gnomAD v4.1: 476 of 1,510,410 alleles (0.032%); highest among the groups gnomAD compares: Non-Finnish European, 0.034%; 1 homozygote.

Submissions (2):

Ambry Genetics
Classification: Uncertain significance. Last evaluated: 2025-01-04. Review status: criteria provided, single submitter. Criteria: Ambry Variant Classification Scheme 2023. Collection method: clinical testing. Allele origin: germline.

Labcorp Genetics (formerly Invitae), Labcorp
Classification: Uncertain significance. Last evaluated: 2024-02-07. Review status: criteria provided, single submitter. Criteria: Invitae Variant Classification Sherloc (09022015). Collection method: clinical testing. Allele origin: germline.
Comment: This sequence change replaces serine, which is neutral and polar, with asparagine, which is neutral and polar, at codon 75 of the ZIC4 protein (p.Ser75Asn). This variant is present in population databases (rs201563618, gnomAD 0.06%), and has an allele count higher than expected for a pathogenic variant. This variant has not been reported in the literature in individuals affected with ZIC4-related conditions. ClinVar contains an entry for this variant (Variation ID: 2350807). An algorithm developed to predict the effect of missense changes on protein structure and function (PolyPhen-2) suggests that this variant is likely to be disruptive. In summary, the available evidence is currently insufficient to determine the role of this variant in disease. Therefore, it has been classified as a Variant of Uncertain Significance.

NM_032153.6(ZIC4):c.74G>A (p.Ser25Asn)

Gene: ZIC4 (Zic family zinc finger 4; minus strand). Cytogenetic location: 3q24.
Variant type: single nucleotide variant.
Coding change: c.74G>A on transcript NM_032153.6 (MANE Select); coding-DNA position 74, G replaced by A.
Protein change: p.Ser25Asn; replaces serine 25 with asparagine.
Molecular consequence: missense variant. On other transcripts: intron variant (1).
Genome position (GRCh38, 1-based): chr3:147,396,466, C>T on the plus strand (G>A on the coding strand, the complement: ZIC4 is on the minus strand). VCF-style: chr3-147396466-C-T. GRCh37 (hg19) VCF-style: chr3-147114253-C-T.
Other names: c.224G>A, p.Ser75Asn (NM_001168378.1); c.188G>A, p.Ser63Asn (NM_001168379.2); c.71-5220G>A (NM_001243256.2); short protein forms S25N, S63N, S75N.
Identifiers: ClinVar variation 2350807 (VCV002350807.9), dbSNP rs201563618, ClinGen allele CA2656891.
Genomic context (GRCh38, chr3:147,396,466, plus strand): 5'-CCCGGGAACACCGAGGGGCTGGAGGCGGCGGTGAGCTGGGGGCCATGGTGTCCAGAGCTG[C>T]TACCTGTTGTCGAAACAAATAGCGCGCATGAGAACGGGTGGCGTGGGCTGCGCGCTCTTC-3'
Protein context (NP_115529.2, residues 15-35): LYRNTLKESS[Ser25Asn]SSGHHGPQLT